The following is an entry in ClinVar:

ClinVar aggregate classification (germline): Uncertain significance (1 of 4 stars; one submission).

gnomAD v4.1: 7 of 1,613,914 alleles (0.00043%); highest among the groups gnomAD compares: African/African-American, 0.004%; no homozygotes.

Submission:

Ambry Genetics
Classification: Uncertain significance. Last evaluated: 2025-02-01. Review status: criteria provided, single submitter. Criteria: Ambry Variant Classification Scheme 2023. Collection method: clinical testing. Allele origin: germline.
Comment: The p.A93S variant (also known as c.277G>T), located in coding exon 3 of the RAD51B gene, results from a G to T substitution at nucleotide position 277. The alanine at codon 93 is replaced by serine, an amino acid with similar properties. This amino acid position is conserved. In addition, this alteration is predicted to be tolerated by in silico analysis. Based on the available evidence, the clinical significance of this variant remains unclear.

NM_133510.4(RAD51B):c.277G>T (p.Ala93Ser)

Gene: RAD51B (RAD51 paralog B; plus strand). Cytogenetic location: 14q24.1.
Variant type: single nucleotide variant.
Coding change: c.277G>T on transcript NM_133510.4 (MANE Select); coding-DNA position 277, G replaced by T.
Protein change: p.Ala93Ser; replaces alanine 93 with serine.
Molecular consequence: missense variant. On other transcripts: 5 prime UTR variant (1).
Genome position (GRCh38, 1-based): chr14:67,835,158, G>T. VCF-style: chr14-67835158-G-T. GRCh37 (hg19) VCF-style: chr14-68301875-G-T.
Other names: c.277G>T, p.Ala93Ser (NM_001321809.2, NM_001321810.2, NM_001321812.1 and 6 more transcripts); c.163G>T, p.Ala55Ser (NM_001321815.1); c.-179G>T (NM_001321817.2); short protein forms A55S, A93S.
Identifiers: ClinVar variation 3786442 (VCV003786442.1).